The following is an entry in ClinVar:

ClinVar aggregate classification (germline): Uncertain significance (1 of 4 stars; one submission).

gnomAD v4.1: 6 of 1,468,498 alleles (0.00041%); highest among the groups gnomAD compares: Non-Finnish European, 0.00045%; no homozygotes.

Submission:

Labcorp Genetics (formerly Invitae), Labcorp
Classification: Uncertain significance. Last evaluated: 2024-05-09. Review status: criteria provided, single submitter. Criteria: Invitae Variant Classification Sherloc (09022015). Collection method: clinical testing. Allele origin: germline.
Comment: This sequence change replaces proline, which is neutral and non-polar, with leucine, which is neutral and non-polar, at codon 517 of the CAMK2B protein (p.Pro517Leu). This variant is not present in population databases (gnomAD no frequency). This variant has not been reported in the literature in individuals affected with CAMK2B-related conditions. An algorithm developed to predict the effect of missense changes on protein structure and function (PolyPhen-2) suggests that this variant is likely to be tolerated. In summary, the available evidence is currently insufficient to determine the role of this variant in disease. Therefore, it has been classified as a Variant of Uncertain Significance.

NM_001220.5(CAMK2B):c.1550C>T (p.Pro517Leu)

Gene: CAMK2B (calcium/calmodulin dependent protein kinase II beta; minus strand). Cytogenetic location: 7p13.
Variant type: single nucleotide variant.
Coding change: c.1550C>T on transcript NM_001220.5 (MANE Select); coding-DNA position 1550, C replaced by T.
Protein change: p.Pro517Leu; replaces proline 517 with leucine.
Molecular consequence: missense variant. On other transcripts: intron variant (8).
Genome position (GRCh38, 1-based): chr7:44,226,563, G>A on the plus strand (C>T on the coding strand, the complement: CAMK2B is on the minus strand). VCF-style: chr7-44226563-G-A. GRCh37 (hg19) VCF-style: chr7-44266162-G-A.
Other names: c.947-5662C>T (NM_172084.3); c.1150+4443C>T (NM_172080.3); c.1036+4443C>T (NM_172083.3); c.1108+4443C>T (NM_172081.3); c.1153+4443C>T (NM_172079.3, NM_172082.3); c.1225+4443C>T (NM_001293170.2, NM_172078.3); short protein forms P517L.
Identifiers: ClinVar variation 3676664 (VCV003676664.2).